The following is an entry in ClinVar:

NM_012301.4(MAGI2):c.3720C>T (p.Pro1240=)

Gene: MAGI2 (membrane associated guanylate kinase, WW and PDZ domain containing 2; minus strand). Cytogenetic location: 7q21.11.
Variant type: single nucleotide variant.
Coding change: c.3720C>T on transcript NM_012301.4 (MANE Select); coding-DNA position 3720, C replaced by T.
Protein change: p.Pro1240=; no amino-acid change (proline 1240 retained).
Molecular consequence: synonymous variant.
Genome position (GRCh38, 1-based): chr7:78,019,963, G>A on the plus strand (C>T on the coding strand, the complement: MAGI2 is on the minus strand). VCF-style: chr7-78019963-G-A. GRCh37 (hg19) VCF-style: chr7-77649280-G-A.
Other names: c.3678C>T, p.Pro1226= (NM_001301128.2).
Identifiers: ClinVar variation 3030925 (VCV003030925.3), dbSNP rs760834788, ClinGen allele CA4313402.

ClinVar aggregate classification (germline): Likely benign. Review status: criteria provided, single submitter (1 of 4 stars). 2 submissions from 2 submitters: Likely benign (1). 1 of the submissions does not count toward it. Last evaluated 2024-08-07.

Conditions:
MAGI2-related disorder. Also called: MAGI2-related condition.

Allele frequency attached by ClinVar (database versions not stated): ExAC 0.00001; gnomAD 0.00001.
gnomAD v4.1: 46 of 1,606,520 alleles (0.0029%); highest among the groups gnomAD compares: Non-Finnish European, 0.0037%; no homozygotes.

Submissions (2):

Blueprint Genetics
Classification: Likely benign. Last evaluated: 2024-08-07. Review status: criteria provided, single submitter. Criteria: ACMG Guidelines, 2015. Collection method: clinical testing. Allele origin: germline.

PreventionGenetics, part of Exact Sciences
Classification: Likely benign for MAGI2-related condition. Last evaluated: 2021-04-19. Review status: no assertion criteria provided. Collection method: clinical testing. Allele origin: germline. Not counted in ClinVar's aggregate classification.
Comment: This variant is classified as likely benign based on ACMG/AMP sequence variant interpretation guidelines (Richards et al. 2015 PMID: 25741868, with internal and published modifications).